The following is an entry in ClinVar:

NM_000152.5(GAA):c.2461G>T (p.Gly821Trp)

Gene: GAA (alpha glucosidase; plus strand). Cytogenetic location: 17q25.3.
Variant type: single nucleotide variant.
Coding change: c.2461G>T on transcript NM_000152.5 (MANE Select); coding-DNA position 2461, G replaced by T.
Protein change: p.Gly821Trp; replaces glycine 821 with tryptophan.
Molecular consequence: missense variant.
Genome position (GRCh38, 1-based): chr17:80,117,729, G>T. VCF-style: chr17-80117729-G-T. GRCh37 (hg19) VCF-style: chr17-78091528-G-T.
Other names: c.2461G>T, p.Gly821Trp (NM_001079803.3, NM_001079804.3, NM_001406741.1 and 1 more transcripts); short protein forms G821W.
Identifiers: ClinVar variation 4876536 (VCV004876536.1).

ClinVar aggregate classification (germline): Uncertain significance (1 of 4 stars; one submission).

Conditions:
Glycogen storage disease, type II (IOPD). Also called: Pompe Disease; CARDIOMEGALIA GLYCOGENICA DIFFUSA; GLYCOGENOSIS, GENERALIZED, CARDIAC FORM; GSD II; POMPE DISEASE, INFANTILE-ONSET; GLYCOGEN STORAGE DISEASE II, INFANTILE-ONSET. Identifiers: Orphanet 365, MedGen C0017921, MONDO:0009290, OMIM 232300.

gnomAD v4.1: 1 of 1,610,832 alleles (0.000062%); no homozygotes.

Submission:

Genomenon, Inc
Classification: Uncertain significance for Glycogen storage disease, type II. Last evaluated: 2026-07-01. Review status: criteria provided, single submitter. Criteria: Genomenon Sequence Variant Interpretation Standards - Updated. Collection method: curation. Allele origin: germline. Affected: yes.
Comment: GAA p.Gly821Trp (c.2461G>T) is a missense variant that changes the amino acid at codon 821 from Glycine to Tryptophan. This variant has been observed in at least one proband with a GAA-related disorder (PMID:40225932). It is absent or not present at a significant frequency in gnomAD. In silico models predict that this variant is possibly or probably damaging. In conclusion, we classify GAA p.Gly821Trp (c.2461G>T) as a variant of uncertain significance.

Literature cited by the submitters: PubMed 40225932.